The following is an entry in ClinVar:

ClinVar aggregate classification (germline): Uncertain significance (1 of 4 stars; one submission).

Conditions:
Epileptic encephalopathy. Identifiers: MedGen C0543888, HP:0200134.

Allele frequency attached by ClinVar (database versions not stated): gnomAD 0.00019 and 0.00021; ExAC 0.00020; gnomAD exomes 0.00020 and 0.00023; TOPMed 0.00027; ESP Exome Variant Server 0.00054.

Submission:

Labcorp Genetics (formerly Invitae), Labcorp
Classification: Uncertain significance for Epileptic encephalopathy. Last evaluated: 2025-12-15. Review status: criteria provided, single submitter. Criteria: Invitae Variant Classification Sherloc (09022015). Collection method: clinical testing. Allele origin: germline.
Comment: This sequence change replaces valine, which is neutral and non-polar, with methionine, which is neutral and non-polar, at codon 527 of the FASN protein (p.Val527Met). This variant is present in population databases (rs200000001, gnomAD 0.03%). This variant has not been reported in the literature in individuals affected with FASN-related conditions. ClinVar contains an entry for this variant (Variation ID: 583045). An algorithm developed to predict the effect of missense changes on protein structure and function (PolyPhen-2) suggests that this variant is likely to be disruptive. In summary, the available evidence is currently insufficient to determine the role of this variant in disease. Therefore, it has been classified as a Variant of Uncertain Significance.

NM_004104.5(FASN):c.1579G>A (p.Val527Met)

Gene: FASN (fatty acid synthase; minus strand). Cytogenetic location: 17q25.3.
Variant type: single nucleotide variant.
Coding change: c.1579G>A on transcript NM_004104.5 (MANE Select); coding-DNA position 1579, G replaced by A.
Protein change: p.Val527Met; replaces valine 527 with methionine.
Molecular consequence: missense variant.
Genome position (GRCh38, 1-based): chr17:82,090,983, C>T on the plus strand (G>A on the coding strand, the complement: FASN is on the minus strand). VCF-style: chr17-82090983-C-T. GRCh37 (hg19) VCF-style: chr17-80048859-C-T.
Other names: short protein forms V527M.
Identifiers: ClinVar variation 583045 (VCV000583045.8), dbSNP rs200000001, ClinGen allele CA8853100.
Genomic context (GRCh38, chr17:82,090,983, plus strand): 5'-CAAAGGTGCTCTCGTCTGTGCTCAGCAGCAGCTGTGACACCTTCAGGCCGAATGGCTTCA[C>T]AGCCTCATCGGAGCGTAGGATGGAATCTCGGAAGCGGTCCAGGCGCATGAGGCTCAGCCC-3'
Protein context (NP_004095.4, residues 517-537): RDSILRSDEA[Val527Met]KPFGLKVSQL